The following is an entry in ClinVar:

NM_000548.5(TSC2):c.2552C>T (p.Ala851Val)

Gene: TSC2 (TSC complex subunit 2; plus strand). Cytogenetic location: 16p13.3.
Variant type: single nucleotide variant.
Coding change: c.2552C>T on transcript NM_000548.5 (MANE Select); coding-DNA position 2552, C replaced by T.
Protein change: p.Ala851Val; replaces alanine 851 with valine.
Molecular consequence: missense variant.
Genome position (GRCh38, 1-based): chr16:2,075,805, C>T. VCF-style: chr16-2075805-C-T. GRCh37 (hg19) VCF-style: chr16-2125806-C-T.
Other names: c.2441C>T, p.Ala814Val (NM_001318827.2); c.2405C>T, p.Ala802Val (NM_001318829.2); c.1952C>T, p.Ala651Val (NM_001318831.2); c.2552C>T, p.Ala851Val (NM_021055.3, NM_001363528.2, NM_001370404.1 and 3 more transcripts); c.2585C>T, p.Ala862Val (NM_001318832.2); short protein forms A651V, A814V, A851V, A862V, A802V.
Identifiers: ClinVar variation 644945 (VCV000644945.13), dbSNP rs1596364874, ClinGen allele CA394278281.

ClinVar aggregate classification (germline): Uncertain significance. Review status: criteria provided, multiple submitters, no conflicts (2 of 4 stars). 3 submissions from 3 submitters: Uncertain significance (3). Last evaluated 2025-09-16.

Conditions:
Isolated focal cortical dysplasia type II (FCORD2). Also called: CORTICAL DYSPLASIA OF TAYLOR; Focal cortical dysplasia type II. Identifiers: Orphanet 268994, MedGen C1846385, MONDO:0011818, OMIM 607341, HP:0032051.
Tuberous sclerosis 2 (TSC2). Identifiers: Orphanet 805, MedGen C1860707, MONDO:0013199, OMIM 613254.
Hereditary cancer-predisposing syndrome. Also called: Neoplastic Syndromes, Hereditary; Hereditary Cancer Syndrome; Hereditary neoplastic syndrome; Tumor predisposition. Identifiers: Orphanet 140162, MedGen C0027672, MeSH D009386, MONDO:0015356.

Submissions (3):

Labcorp Genetics (formerly Invitae), Labcorp
Classification: Uncertain significance for Tuberous sclerosis 2. Last evaluated: 2025-09-16. Review status: criteria provided, single submitter. Criteria: Invitae Variant Classification Sherloc (09022015). Collection method: clinical testing. Allele origin: germline.
Comment: This sequence change replaces alanine, which is neutral and non-polar, with valine, which is neutral and non-polar, at codon 851 of the TSC2 protein (p.Ala851Val). This variant is not present in population databases (gnomAD no frequency). This variant has not been reported in the literature in individuals affected with TSC2-related conditions. ClinVar contains an entry for this variant (Variation ID: 644945). Invitae Evidence Modeling of protein sequence and biophysical properties (such as structural, functional, and spatial information, amino acid conservation, physicochemical variation, residue mobility, and thermodynamic stability) indicates that this missense variant is not expected to disrupt TSC2 protein function with a negative predictive value of 95%. In summary, the available evidence is currently insufficient to determine the role of this variant in disease. Therefore, it has been classified as a Variant of Uncertain Significance.

Baylor Genetics
Classification: Uncertain significance for Isolated focal cortical dysplasia type II. Last evaluated: 2023-06-15. Review status: criteria provided, single submitter. Criteria: ACMG Guidelines, 2015. Collection method: clinical testing. Allele origin: unknown.

Ambry Genetics
Classification: Uncertain significance for Hereditary cancer-predisposing syndrome. Last evaluated: 2023-05-19. Review status: criteria provided, single submitter. Criteria: Ambry Variant Classification Scheme 2023. Collection method: clinical testing. Allele origin: germline.
Comment: The p.A851V variant (also known as c.2552C>T), located in coding exon 22 of the TSC2 gene, results from a C to T substitution at nucleotide position 2552. The alanine at codon 851 is replaced by valine, an amino acid with similar properties. This amino acid position is conserved. In addition, the in silico prediction for this alteration is inconclusive. Since supporting evidence is limited at this time, the clinical significance of this alteration remains unclear.